The following is an entry in ClinVar:

NM_000256.3(MYBPC3):c.1831G>T (p.Glu611Ter)

Gene: MYBPC3 (myosin binding protein C3; minus strand). Cytogenetic location: 11p11.2.
Variant type: single nucleotide variant.
Coding change: c.1831G>T on transcript NM_000256.3 (MANE Select); coding-DNA position 1831, G replaced by T.
Protein change: p.Glu611Ter; replaces glutamic acid 611 with a stop codon.
Molecular consequence: nonsense.
Genome position (GRCh38, 1-based): chr11:47,341,204, C>A on the plus strand (G>T on the coding strand, the complement: MYBPC3 is on the minus strand). VCF-style: chr11-47341204-C-A. GRCh37 (hg19) VCF-style: chr11-47362755-C-A.
Other names: short protein forms E611*.
Identifiers: ClinVar variation 1076719 (VCV001076719.9), dbSNP rs730880555, ClinGen allele CA380323969.

ClinVar aggregate classification (germline): Pathogenic. Review status: criteria provided, multiple submitters, no conflicts (2 of 4 stars). 2 submissions from 2 submitters: Pathogenic (2). Last evaluated 2020-09-02.

Conditions:
Cardiovascular phenotype. Identifiers: MedGen CN230736.
Hypertrophic cardiomyopathy. Also called: HYPERTROPHIC MYOCARDIOPATHY. Identifiers: Orphanet 217569, MedGen C0007194, MeSH D002312, MONDO:0005045, HP:0001639.

Submissions (2):

Labcorp Genetics (formerly Invitae), Labcorp
Classification: Pathogenic for Hypertrophic cardiomyopathy. Last evaluated: 2020-09-02. Review status: criteria provided, single submitter. Criteria: Invitae Variant Classification Sherloc (09022015). Collection method: clinical testing. Allele origin: germline.
Comment: For these reasons, this variant has been classified as Pathogenic. Loss-of-function variants in MYBPC3 are known to be pathogenic (PMID: 19574547). This variant has not been reported in the literature in individuals with MYBPC3-related conditions. This variant is not present in population databases (ExAC no frequency). This sequence change creates a premature translational stop signal (p.Glu611*) in the MYBPC3 gene. It is expected to result in an absent or disrupted protein product.

Ambry Genetics
Classification: Pathogenic for Cardiovascular phenotype. Last evaluated: 2018-06-11. Review status: criteria provided, single submitter. Criteria: Ambry Variant Classification Scheme 2023. Collection method: clinical testing. Allele origin: germline.
Comment: The p.E611* pathogenic mutation (also known as c.1831G>T), located in coding exon 19 of the MYBPC3 gene, results from a G to T substitution at nucleotide position 1831. This changes the amino acid from a glutamic acid to a stop codon within coding exon 19. This alteration is expected to result in loss of function by premature protein truncation or nonsense-mediated mRNA decay. As such, this alteration is interpreted as a disease-causing mutation.

Literature cited by the submitters: PubMed 19574547 (cited by Labcorp Genetics (formerly Invitae), Labcorp).